The following is an entry in ClinVar:

ClinVar aggregate classification (germline): Uncertain significance (1 of 4 stars; one submission).

Submission:

Labcorp Genetics (formerly Invitae), Labcorp
Classification: Uncertain significance. Last evaluated: 2024-10-31. Review status: criteria provided, single submitter. Criteria: Invitae Variant Classification Sherloc (09022015). Collection method: clinical testing. Allele origin: germline.
Comment: This sequence change creates a premature translational stop signal (p.Thr497Asnfs*2) in the IFT88 gene. It is expected to result in an absent or disrupted protein product. However, the current clinical and genetic evidence is not sufficient to establish whether loss-of-function variants in IFT88 cause disease. This variant is not present in population databases (gnomAD no frequency). This variant has not been reported in the literature in individuals affected with IFT88-related conditions. In summary, the available evidence is currently insufficient to determine the role of this variant in disease. Therefore, it has been classified as a Variant of Uncertain Significance.

NM_006531.5(IFT88):c.1462dup (p.Thr488fs)

Gene: IFT88 (intraflagellar transport 88; plus strand). Cytogenetic location: 13q12.11.
Variant type: Duplication.
Coding change: c.1462dup on transcript NM_006531.5 (MANE Select); coding-DNA position 1462, one base duplicated (A; older notation c.1462dupA).
Protein change: p.Thr488fs; shifts the reading frame from threonine 488.
Molecular consequence: frameshift variant. On other transcripts: non-coding transcript variant (4).
Genome position (GRCh38, 1-based): chr13:20,638,407, A duplicated. VCF-style (leftmost placement, unchanged base first): chr13-20638406-T-TA. GRCh37 (hg19) VCF-style: chr13-21212545-T-TA.
Other names: c.1405dup, p.Thr469fs (NM_001318491.2, NM_001353575.2); c.1489dup, p.Thr497fs (NM_001318493.2, NM_001353565.2, NM_001353566.2 and 2 more transcripts); c.1462dup, p.Thr488fs (NM_001353568.2, NM_001353572.2); c.1387dup, p.Thr463fs (NM_001353569.2, NM_001353570.2, NM_001353576.2 and 1 more transcripts); c.1360dup, p.Thr454fs (NM_001353571.2, NM_001353578.2); c.1318dup, p.Thr440fs (NM_001353573.2); c.1303dup, p.Thr435fs (NM_001353574.2); c.829dup, p.Thr277fs (NM_001353579.2); short protein forms T463fs, T497fs, T469fs, T277fs, T435fs, T454fs, T440fs, T488fs.
Identifiers: ClinVar variation 3723535 (VCV003723535.2).
Genomic context (GRCh38, chr13:20,638,406, plus strand): 5'-ACAAGCCAGCAGCTATGCAGATATAGCTGTGAACTCTGATAGATATAATCCAGCAGCTCT[T>TA]ACTAATAAAGGGAATACAGTTTTTGCAAATGGTGATTATGAGAAGGCCGCTGAATTCTAT-3'